The following is an entry in ClinVar:

NM_000435.3(NOTCH3):c.5129G>A (p.Gly1710Asp)

Gene: NOTCH3 (notch receptor 3; minus strand). Cytogenetic location: 19p13.12.
Variant type: single nucleotide variant.
Coding change: c.5129G>A on transcript NM_000435.3 (MANE Select); coding-DNA position 5129, G replaced by A.
Protein change: p.Gly1710Asp; replaces glycine 1710 with aspartic acid.
Molecular consequence: missense variant.
Genome position (GRCh38, 1-based): chr19:15,170,156, C>T on the plus strand (G>A on the coding strand, the complement: NOTCH3 is on the minus strand). VCF-style: chr19-15170156-C-T. GRCh37 (hg19) VCF-style: chr19-15280967-C-T.
Other names: short protein forms G1710D.
Identifiers: ClinVar variation 804640 (VCV000804640.40), dbSNP rs143411026, ClinGen allele CA9262715.

ClinVar aggregate classification (germline): Benign/Likely benign. Review status: criteria provided, multiple submitters, no conflicts (2 of 4 stars). 6 submissions from 6 submitters: Benign (1); Likely benign (5). Last evaluated 2025-10-09.

Conditions:
Cerebral arteriopathy, autosomal dominant, with subcortical infarcts and leukoencephalopathy, type 1 (CADASIL1). Also called: DEMENTIA, HEREDITARY MULTIINFARCT TYPE; CASIL; Cerebral arteriopathy with subcortical infarcts and leukoencephalopathy 1; CADASIL 1. Identifiers: Orphanet 136, MedGen C4551768, MONDO:0000914, OMIM 125310.

Allele frequency attached by ClinVar (database versions not stated): ESP Exome Variant Server 0.00008; TOPMed 0.00013; gnomAD exomes 0.00019; gnomAD 0.00024 and 0.00025; ExAC 0.00042.

Submissions (6):

Labcorp Genetics (formerly Invitae), Labcorp
Classification: Likely benign. Last evaluated: 2025-10-09. Review status: criteria provided, single submitter. Criteria: Invitae Variant Classification Sherloc (09022015). Collection method: clinical testing. Allele origin: germline.

Laboratory of Genetics, Children's Clinical University Hospital Latvia
Classification: Likely benign. Last evaluated: 2025-02-16. Review status: criteria provided, single submitter. Criteria: ACMG Guidelines, 2015. Collection method: clinical testing. Allele origin: germline. Affected: yes.

Blueprint Genetics
Classification: Likely benign. Last evaluated: 2024-10-30. Review status: criteria provided, single submitter. Criteria: ACMG Guidelines, 2015. Collection method: clinical testing. Allele origin: germline.

CeGaT Center for Human Genetics Tuebingen
Classification: Likely benign. Last evaluated: 2024-07-01. Review status: criteria provided, single submitter. Criteria: CeGaT Center For Human Genetics Tuebingen Variant Classification Criteria Version 2. Collection method: clinical testing. Allele origin: germline. Affected: yes. Observed: 5 variant alleles.
Comment: NOTCH3: BP4, BS1:Supporting

Athena Diagnostics
Classification: Benign. Last evaluated: 2020-11-19. Review status: criteria provided, single submitter. Criteria: Athena Diagnostics criteria. Collection method: clinical testing. Allele origin: unknown.

Illumina Laboratory Services, Illumina
Classification: Likely benign for Cerebral arteriopathy, autosomal dominant, with subcortical infarcts and leukoencephalopathy, type 1. Last evaluated: 2017-04-28. Review status: criteria provided, single submitter. Criteria: ICSL Variant Classification Criteria 13 December 2019. Collection method: clinical testing. Allele origin: germline.
Comment: This variant was observed as part of a predisposition screen in an ostensibly healthy population. A literature search was performed for the gene, cDNA change, and amino acid change (where applicable). Publications were found based on this search. The evidence from the literature, in combination with allele frequency data from public databases where available, was sufficient to determine this variant is unlikely to cause disease. Therefore, this variant is classified as likely benign.

Literature cited by the submitters: PubMed 22006983 (cited by Athena Diagnostics and Illumina Laboratory Services, Illumina); PubMed 24086431 (cited by Athena Diagnostics and Illumina Laboratory Services, Illumina).